The following is an entry in ClinVar:

ClinVar aggregate classification (germline): Uncertain significance (1 of 4 stars; one submission).

Conditions:
Inborn genetic diseases. Identifiers: MedGen C0950123, MeSH D030342.

Submission:

Ambry Genetics
Classification: Uncertain significance for Inborn genetic diseases. Last evaluated: 2022-11-07. Review status: criteria provided, single submitter. Criteria: Ambry Variant Classification Scheme 2023. Collection method: clinical testing. Allele origin: germline.
Comment: The p.Q468L variant (also known as c.1403A>T), located in coding exon 6 of the ATR gene, results from an A to T substitution at nucleotide position 1403. The glutamine at codon 468 is replaced by leucine, an amino acid with dissimilar properties. This amino acid position is conserved. In addition, this alteration is predicted to be tolerated by in silico analysis. Since supporting evidence is limited at this time, the clinical significance of this alteration remains unclear.

NM_001184.4(ATR):c.1403A>T (p.Gln468Leu)

Gene: ATR (ATR checkpoint kinase; minus strand). Cytogenetic location: 3q23.
Variant type: single nucleotide variant.
Coding change: c.1403A>T on transcript NM_001184.4 (MANE Select); coding-DNA position 1403, A replaced by T.
Protein change: p.Gln468Leu; replaces glutamine 468 with leucine.
Molecular consequence: missense variant. On other transcripts: intron variant (1).
Genome position (GRCh38, 1-based): chr3:142,560,401, T>A on the plus strand (A>T on the coding strand, the complement: ATR is on the minus strand). VCF-style: chr3-142560401-T-A. GRCh37 (hg19) VCF-style: chr3-142279243-T-A.
Other names: c.1349+842A>T (NM_001354579.2); short protein forms Q468L.
Identifiers: ClinVar variation 2453516 (VCV002453516.2), dbSNP rs2034833475, ClinGen allele CA354822969.